The following is an entry in ClinVar:

ClinVar aggregate classification (germline): Uncertain significance. Review status: criteria provided, multiple submitters, no conflicts (2 of 4 stars). 2 submissions from 2 submitters: Uncertain significance (2). Last evaluated 2025-05-12.

Conditions:
Inborn genetic diseases. Identifiers: MedGen C0950123, MeSH D030342.
EXPH5-related disorder. Also called: EXPH5-related condition.

Allele frequency attached by ClinVar (database versions not stated): gnomAD exomes 0.00001; ExAC 0.00002; gnomAD 0.00005; ESP Exome Variant Server 0.00008; TOPMed 0.00008.
gnomAD v4.1: 17 of 1,614,050 alleles (0.0011%); highest among the groups gnomAD compares: African/African-American, 0.02%; no homozygotes.

Submissions (2):

PreventionGenetics, part of Exact Sciences
Classification: Uncertain significance for EXPH5-related condition. Last evaluated: 2025-05-12. Review status: criteria provided, single submitter. Criteria: ACMG Guidelines, 2015. Collection method: clinical testing. Allele origin: germline.
Comment: The EXPH5 c.2704T>C variant is predicted to result in the amino acid substitution p.Ser902Pro. To our knowledge, this variant has not been reported in the literature. This variant is reported in 0.024% of alleles in individuals of African descent in gnomAD. At this time, the clinical significance of this variant is uncertain due to the absence of conclusive functional and genetic evidence.

Ambry Genetics
Classification: Uncertain significance for Inborn genetic diseases. Last evaluated: 2023-11-06. Review status: criteria provided, single submitter. Criteria: Ambry Variant Classification Scheme 2023. Collection method: clinical testing. Allele origin: germline.

NM_015065.3(EXPH5):c.2704T>C (p.Ser902Pro)

Gene: EXPH5 (exophilin 5; minus strand). Cytogenetic location: 11q22.3.
Variant type: single nucleotide variant.
Coding change: c.2704T>C on transcript NM_015065.3 (MANE Select); coding-DNA position 2704, T replaced by C.
Protein change: p.Ser902Pro; replaces serine 902 with proline.
Molecular consequence: missense variant.
Genome position (GRCh38, 1-based): chr11:108,512,803, A>G on the plus strand (T>C on the coding strand, the complement: EXPH5 is on the minus strand). VCF-style: chr11-108512803-A-G. GRCh37 (hg19) VCF-style: chr11-108383530-A-G.
Other names: c.2236T>C, p.Ser746Pro (NM_001144764.2); c.2140T>C, p.Ser714Pro (NM_001144765.2); c.2683T>C, p.Ser895Pro (NM_001308019.2); c.2476T>C, p.Ser826Pro (NM_001144763.2); short protein forms S746P, S826P, S714P, S895P, S902P.
Identifiers: ClinVar variation 3091243 (VCV003091243.2), dbSNP rs373483398, ClinGen allele CA6267816.